The following is an entry in ClinVar:

NM_152564.5(VPS13B):c.9338G>A (p.Arg3113His)

Gene: VPS13B (vacuolar protein sorting 13 homolog B; plus strand). Cytogenetic location: 8q22.2.
Variant type: single nucleotide variant.
Coding change: c.9338G>A on transcript NM_152564.5 (MANE Select); coding-DNA position 9338, G replaced by A.
Protein change: p.Arg3113His; replaces arginine 3113 with histidine.
Molecular consequence: missense variant.
Genome position (GRCh38, 1-based): chr8:99,832,376, G>A. VCF-style: chr8-99832376-G-A. GRCh37 (hg19) VCF-style: chr8-100844604-G-A.
Other names: c.9338G>A (NM_152564.4); c.9413G>A, p.Arg3138His (NM_017890.5); c.9413G>A (NM_017890.3); short protein forms R3113H, R3138H.
Identifiers: ClinVar variation 971310 (VCV000971310.10), dbSNP rs141408531, ClinGen allele CA4824692.

ClinVar aggregate classification (germline): Conflicting classifications of pathogenicity. Review status: criteria provided, conflicting classifications (1 of 4 stars). 4 submissions from 4 submitters: Uncertain significance (1); Likely benign (1). 2 of the submissions do not count toward it. Last evaluated 2023-02-14.

Conditions:
VPS13B-related disorder. Also called: VPS13B-related condition.
Inborn genetic diseases. Identifiers: MedGen C0950123, MeSH D030342.
Cohen syndrome (COH1). Also called: Cutis verticis gyrata, retinitis pigmentosa, and sensorineural deafness; PEPPER SYNDROME. Identifiers: Orphanet 193, MedGen C0265223, MONDO:0008999, OMIM 216550.

Allele frequency attached by ClinVar (database versions not stated): gnomAD 0.00007 and 0.00009; ESP Exome Variant Server 0.00015.
gnomAD v4.1: 30 of 782,104 alleles (0.0038%); highest among the groups gnomAD compares: East Asian, 0.015%; no homozygotes.

Submissions (4):

Ambry Genetics
Classification: Likely benign for Inborn genetic diseases. Last evaluated: 2023-02-14. Review status: criteria provided, single submitter. Criteria: Ambry Variant Classification Scheme 2023. Collection method: clinical testing. Allele origin: germline.

Labcorp Genetics (formerly Invitae), Labcorp
Classification: Uncertain significance for Cohen syndrome. Last evaluated: 2022-06-29. Review status: criteria provided, single submitter. Criteria: Invitae Variant Classification Sherloc (09022015). Collection method: clinical testing. Allele origin: germline.
Comment: This sequence change replaces arginine, which is basic and polar, with histidine, which is basic and polar, at codon 3138 of the VPS13B protein (p.Arg3138His). This variant is not present in population databases (gnomAD no frequency). This variant has not been reported in the literature in individuals affected with VPS13B-related conditions. ClinVar contains an entry for this variant (Variation ID: 971310). Algorithms developed to predict the effect of missense changes on protein structure and function output the following: SIFT: "Not Available"; PolyPhen-2: "Benign"; Align-GVGD: "Not Available". The histidine amino acid residue is found in multiple mammalian species, which suggests that this missense change does not adversely affect protein function. In summary, the available evidence is currently insufficient to determine the role of this variant in disease. Therefore, it has been classified as a Variant of Uncertain Significance.

PreventionGenetics, part of Exact Sciences
Classification: Uncertain significance for VPS13B-related condition. Last evaluated: 2024-03-05. Review status: no assertion criteria provided. Collection method: clinical testing. Allele origin: germline. Not counted in ClinVar's aggregate classification.
Comment: The VPS13B c.9338G>A variant is predicted to result in the amino acid substitution p.Arg3113His. To our knowledge, this variant has not been reported in the literature or in a large population database, indicating this variant is rare. At this time, the clinical significance of this variant is uncertain due to the absence of conclusive functional and genetic evidence.

Natera, Inc.
Classification: Uncertain significance for Cohen syndrome. Last evaluated: 2020-02-10. Review status: no assertion criteria provided. Collection method: clinical testing. Allele origin: germline. Not counted in ClinVar's aggregate classification.